The following is an entry in ClinVar:

NM_007327.4(GRIN1):c.*18C>T

Gene: GRIN1 (glutamate ionotropic receptor NMDA type subunit 1; plus strand). Cytogenetic location: 9q34.3.
Variant type: single nucleotide variant.
Coding change: c.*18C>T on transcript NM_007327.4 (MANE Select); 18 bases downstream of the stop codon, C replaced by T.
Molecular consequence: 3 prime UTR variant. On other transcripts: intron variant (3).
Genome position (GRCh38, 1-based): chr9:137,167,545, C>T. VCF-style: chr9-137167545-C-T. GRCh37 (hg19) VCF-style: chr9-140061997-C-T.
Other names: c.*18C>T (NM_021569.4); c.2764-229C>T (NM_001185090.2); c.2653-229C>T (NM_001185091.2); c.2590-229C>T (NM_000832.7).
Identifiers: ClinVar variation 3339079 (VCV003339079.1).

ClinVar aggregate classification (germline): Uncertain significance (1 of 4 stars; one submission).

gnomAD v4.1: 31 of 1,493,264 alleles (0.0021%); highest among the groups gnomAD compares: African/African-American, 0.014%; no homozygotes.

Submission:

Women's Health and Genetics/Laboratory Corporation of America, LabCorp
Classification: Uncertain significance. Last evaluated: 2024-07-08. Review status: criteria provided, single submitter. Criteria: LabCorp Variant Classification Summary - May 2015. Collection method: clinical testing. Allele origin: germline.
Comment: Variant summary: GRIN1 c.*18C>T is located in the untranslated mRNA region downstream of the termination codon. The variant allele was found at a frequency of 3.3e-05 in 153106 control chromosomes. The available data on variant occurrences in the general population are insufficient to allow any conclusion about variant significance. To our knowledge, no occurrence of c.*18C>T in individuals affected with Neurodevelopmental Disorder With Or Without Hyperkinetic Movements And Seizures, Autosomal Dominant and no experimental evidence demonstrating its impact on protein function have been reported. No submitters have cited clinical-significance assessments for this variant to ClinVar. Based on the evidence outlined above, the variant was classified as uncertain significance.